The following is an entry in ClinVar:

ClinVar aggregate classification (germline): Uncertain significance (1 of 4 stars; one submission).

Submission:

Labcorp Genetics (formerly Invitae), Labcorp
Classification: Uncertain significance. Last evaluated: 2023-04-22. Review status: criteria provided, single submitter. Criteria: Invitae Variant Classification Sherloc (09022015). Collection method: clinical testing. Allele origin: germline.
Comment: In summary, the available evidence is currently insufficient to determine the role of this variant in disease. Therefore, it has been classified as a Variant of Uncertain Significance. This sequence change replaces glycine, which is neutral and non-polar, with alanine, which is neutral and non-polar, at codon 45 of the SETBP1 protein (p.Gly45Ala). This variant is not present in population databases (gnomAD no frequency). This variant has not been reported in the literature in individuals affected with SETBP1-related conditions. An algorithm developed to predict the effect of missense changes on protein structure and function (PolyPhen-2) suggests that this variant is likely to be disruptive.

NM_015559.3(SETBP1):c.134G>C (p.Gly45Ala)

Gene: SETBP1 (SET binding protein 1; plus strand). Cytogenetic location: 18q12.3.
Variant type: single nucleotide variant.
Coding change: c.134G>C on transcript NM_015559.3 (MANE Select); coding-DNA position 134, G replaced by C.
Protein change: p.Gly45Ala; replaces glycine 45 with alanine.
Molecular consequence: missense variant.
Genome position (GRCh38, 1-based): chr18:44,701,480, G>C. VCF-style: chr18-44701480-G-C. GRCh37 (hg19) VCF-style: chr18-42281445-G-C.
Other names: c.134G>C, p.Gly45Ala (NM_001130110.2, NM_001379141.1, NM_001379142.1 and 1 more transcripts); short protein forms G45A.
Identifiers: ClinVar variation 2858417 (VCV002858417.3), dbSNP rs2511332234, ClinGen allele CA402481504.